The following is an entry in ClinVar:

ClinVar aggregate classification (germline): Likely benign. Review status: criteria provided, multiple submitters, no conflicts (2 of 4 stars). 3 submissions from 3 submitters: Likely benign (2). 1 of the submissions does not count toward it. Last evaluated 2025-12-02.

Conditions:
PISD-related disorder. Also called: PISD-related condition.

Allele frequency attached by ClinVar (database versions not stated): 1000 Genomes Project 30x 0.00016; 1000 Genomes Project 0.00020; ExAC 0.00043; gnomAD exomes 0.00052; ESP Exome Variant Server 0.00070; TOPMed 0.00075; gnomAD 0.00079 and 0.00080.
gnomAD v4.1: 1,328 of 1,606,914 alleles (0.083%); highest among the groups gnomAD compares: Non-Finnish European, 0.11%; 3 homozygotes.

Submissions (3):

Labcorp Genetics (formerly Invitae), Labcorp
Classification: Likely benign. Last evaluated: 2025-12-02. Review status: criteria provided, single submitter. Criteria: Invitae Variant Classification Sherloc (09022015). Collection method: clinical testing. Allele origin: germline.

Blueprint Genetics
Classification: Likely benign. Last evaluated: 2024-09-06. Review status: criteria provided, single submitter. Criteria: ACMG Guidelines, 2015. Collection method: clinical testing. Allele origin: germline.

PreventionGenetics, part of Exact Sciences
Classification: Likely benign for PISD-related condition. Last evaluated: 2023-09-07. Review status: no assertion criteria provided. Collection method: clinical testing. Allele origin: germline. Not counted in ClinVar's aggregate classification.
Comment: This variant is classified as likely benign based on ACMG/AMP sequence variant interpretation guidelines (Richards et al. 2015 PMID: 25741868, with internal and published modifications).

NM_001326411.2(PISD):c.42C>T (p.His14=)

Genes: PISD (phosphatidylserine decarboxylase; minus strand), LOC126863123 (P300/CBP strongly-dependent group 1 enhancer GRCh37_chr22:32057235-32058434; plus strand). Cytogenetic location: 22q12.2.
Variant type: single nucleotide variant.
Coding change: c.42C>T on transcript NM_001326411.2 (MANE Select); coding-DNA position 42, C replaced by T.
Protein change: p.His14=; no amino-acid change (histidine 14 retained).
Molecular consequence: synonymous variant. On other transcripts: 5 prime UTR variant (8).
Genome position (GRCh38, 1-based): chr22:31,662,167, G>A on the plus strand (C>T on the coding strand, the complement: PISD is on the minus strand). VCF-style: chr22-31662167-G-A. GRCh37 (hg19) VCF-style: chr22-32058153-G-A.
Other names: c.42C>T, p.His14= (NM_001326412.1, NM_001326421.1); c.-108C>T (NM_001326413.2); c.-188C>T (NM_001326414.2); c.-401C>T (NM_001326415.2); c.-590C>T (NM_001326416.2); c.-481C>T (NM_001326417.2, NM_001326419.2); c.-59C>T (NM_001326418.2, NM_001326420.2); c.42C>T (NM_001326411.1).
Identifiers: ClinVar variation 1633376 (VCV001633376.11), dbSNP rs142790252, ClinGen allele CA10195038.